The following is an entry in ClinVar:

NM_001089.3(ABCA3):c.998C>G (p.Pro333Arg)

Gene: ABCA3 (ATP binding cassette subfamily A member 3; minus strand). Cytogenetic location: 16p13.3.
Variant type: single nucleotide variant.
Coding change: c.998C>G on transcript NM_001089.3 (MANE Select); coding-DNA position 998, C replaced by G.
Protein change: p.Pro333Arg; replaces proline 333 with arginine.
Molecular consequence: missense variant.
Genome position (GRCh38, 1-based): chr16:2,317,396, G>C on the plus strand (C>G on the coding strand, the complement: ABCA3 is on the minus strand). VCF-style: chr16-2317396-G-C. GRCh37 (hg19) VCF-style: chr16-2367397-G-C.
Other names: c.998C>G (NM_001089.2); short protein forms P333R.
Identifiers: ClinVar variation 3706727 (VCV003706727.3).

ClinVar aggregate classification (germline): Uncertain significance. Review status: criteria provided, multiple submitters, no conflicts (2 of 4 stars). 2 submissions from 2 submitters: Uncertain significance (2). Last evaluated 2025-05-03.

Conditions:
Hereditary pulmonary alveolar proteinosis. Also called: Pulmonary surfactant metabolism dysfunction. Identifiers: Orphanet 264675, MedGen C3711368, MONDO:0012580.

gnomAD v4.1: 25 of 1,613,642 alleles (0.0015%); highest among the groups gnomAD compares: Non-Finnish European, 0.002%; no homozygotes.

Submissions (2):

Ambry Genetics
Classification: Uncertain significance for Hereditary pulmonary alveolar proteinosis. Last evaluated: 2025-05-03. Review status: criteria provided, single submitter. Criteria: Ambry Variant Classification Scheme 2023. Collection method: clinical testing. Allele origin: germline.
Comment: The p.P333R variant (also known as c.998C>G), located in coding exon 7 of the ABCA3 gene, results from a C to G substitution at nucleotide position 998. The proline at codon 333 is replaced by arginine, an amino acid with dissimilar properties. This amino acid position is conserved. In addition, this alteration is predicted to be tolerated by in silico analysis. Based on the available evidence, the clinical significance of this variant remains unclear.

Labcorp Genetics (formerly Invitae), Labcorp
Classification: Uncertain significance. Last evaluated: 2025-04-08. Review status: criteria provided, single submitter. Criteria: Invitae Variant Classification Sherloc (09022015). Collection method: clinical testing. Allele origin: germline.
Comment: This sequence change replaces proline, which is neutral and non-polar, with arginine, which is basic and polar, at codon 333 of the ABCA3 protein (p.Pro333Arg). This variant is present in population databases (rs151278840, gnomAD 0.005%). This variant has not been reported in the literature in individuals affected with ABCA3-related conditions. ClinVar contains an entry for this variant (Variation ID: 3706727). An algorithm developed to predict the effect of missense changes on protein structure and function (PolyPhen-2) suggests that this variant is likely to be tolerated. In summary, the available evidence is currently insufficient to determine the role of this variant in disease. Therefore, it has been classified as a Variant of Uncertain Significance.